The following is an entry in ClinVar:

NM_198578.4(LRRK2):c.-44G>A

Genes: LRRK2 (leucine rich repeat kinase 2; plus strand), LOC130007688 (ATAC-STARR-seq lymphoblastoid silent region 4355; plus strand). Cytogenetic location: 12q12.
Variant type: single nucleotide variant.
Coding change: c.-44G>A on transcript NM_198578.4 (MANE Select); 44 bases upstream of the start codon, G replaced by A.
Molecular consequence: 5 prime UTR variant.
Genome position (GRCh38, 1-based): chr12:40,225,088, G>A. VCF-style: chr12-40225088-G-A. GRCh37 (hg19) VCF-style: chr12-40618890-G-A.
Identifiers: ClinVar variation 308609 (VCV000308609.5), dbSNP rs765232448, ClinGen allele CA6512948.

ClinVar aggregate classification (germline): Likely benign (1 of 4 stars; one submission).

Conditions:
Autosomal dominant Parkinson disease 8. Also called: Parkinson disease 8, susceptibility to; LRRK2-Related Parkinson Disease; Parkinson disease 8. Identifiers: Orphanet 411602, MedGen C1846862, MONDO:0011764, OMIM 607060.

Allele frequency attached by ClinVar (database versions not stated): gnomAD 0.00001; gnomAD exomes 0.00008; ExAC 0.00009.
gnomAD v4.1: 62 of 1,611,566 alleles (0.0038%); highest among the groups gnomAD compares: East Asian, 0.14%; no homozygotes.

Submission:

Illumina Laboratory Services, Illumina
Classification: Likely benign for Autosomal dominant Parkinson disease 8. Last evaluated: 2018-01-12. Review status: criteria provided, single submitter. Criteria: ICSL Variant Classification Criteria 13 December 2019. Collection method: clinical testing. Allele origin: germline.
Comment: This variant was observed in the ICSL laboratory as part of a predisposition screen in an ostensibly healthy population. It had not been previously curated by ICSL or reported in the Human Gene Mutation Database (HGMD: prior to June 1st, 2018), and was therefore a candidate for classification through an automated scoring system. Utilizing variant allele frequency, disease prevalence and penetrance estimates, and inheritance mode, an automated score was calculated to assess if this variant is too frequent to cause the disease. Based on the score and internal cut-off values, a variant classified as likely benign is not then subjected to further curation. The score for this variant resulted in a classification of likely benign for this disease.